The following is an entry in ClinVar:

NM_002386.4(MC1R):c.667C>T (p.Arg223Trp)

Gene: MC1R (melanocortin 1 receptor; plus strand). Cytogenetic location: 16q24.3.
Variant type: single nucleotide variant.
Coding change: c.667C>T on transcript NM_002386.4 (MANE Select); coding-DNA position 667, C replaced by T.
Protein change: p.Arg223Trp; replaces arginine 223 with tryptophan.
Molecular consequence: missense variant.
Genome position (GRCh38, 1-based): chr16:89,919,925, C>T. VCF-style: chr16-89919925-C-T. GRCh37 (hg19) VCF-style: chr16-89986333-C-T.
Other names: short protein forms R223W.
Identifiers: ClinVar variation 406213 (VCV000406213.12), dbSNP rs372152373, ClinGen allele CA8255704.

ClinVar aggregate classification (germline): Conflicting classifications of pathogenicity. Review status: criteria provided, conflicting classifications (1 of 4 stars). 2 submissions from 2 submitters: Uncertain significance (1); Benign (1). Last evaluated 2025-12-17.

Conditions:
Melanoma, cutaneous malignant, susceptibility to, 5. Also called: Cutaneous malignant melanoma 5. Identifiers: Orphanet 618, MedGen C2751295, MONDO:0013133, OMIM 613099.

Allele frequency attached by ClinVar (database versions not stated): 1000 Genomes Project 0.00020; TOPMed 0.00024; 1000 Genomes Project 30x 0.00031.
gnomAD v4.1: 153 of 1,609,938 alleles (0.0095%); highest among the groups gnomAD compares: African/African-American, 0.037%; no homozygotes.

Submissions (2):

Labcorp Genetics (formerly Invitae), Labcorp
Classification: Uncertain significance for Melanoma, cutaneous malignant, susceptibility to, 5. Last evaluated: 2025-12-17. Review status: criteria provided, single submitter. Criteria: Invitae Variant Classification Sherloc (09022015). Collection method: clinical testing. Allele origin: germline.
Comment: This sequence change replaces arginine, which is basic and polar, with tryptophan, which is neutral and slightly polar, at codon 223 of the MC1R protein (p.Arg223Trp). This variant is present in population databases (rs372152373, gnomAD 0.07%), and has an allele count higher than expected for a pathogenic variant. This missense change has been observed in individual(s) with melanoma (PMID: 20043015, 23360207, 24982914). ClinVar contains an entry for this variant (Variation ID: 406213). Invitae Evidence Modeling of protein sequence and biophysical properties (such as structural, functional, and spatial information, amino acid conservation, physicochemical variation, residue mobility, and thermodynamic stability) has been performed for this missense variant. However, the output from this modeling did not meet the statistical confidence thresholds required to predict the impact of this variant on MC1R protein function. In summary, the available evidence is currently insufficient to determine the role of this variant in disease. Therefore, it has been classified as a Variant of Uncertain Significance.

Illumina Laboratory Services, Illumina
Classification: Benign for Melanoma, cutaneous malignant, susceptibility to, 5. Last evaluated: 2017-04-28. Review status: criteria provided, single submitter. Criteria: ICSL Variant Classification Criteria 13 December 2019. Collection method: clinical testing. Allele origin: germline.
Comment: This variant was observed as part of a predisposition screen in an ostensibly healthy population. A literature search was performed for the gene, cDNA change, and amino acid change (where applicable). Publications were found based on this search. The evidence from the literature, in combination with allele frequency data from public databases where available, was sufficient to rule this variant out of causing disease. Therefore, this variant is classified as benign.

Literature cited by the submitters: PubMed 20043015 (cited by Labcorp Genetics (formerly Invitae), Labcorp and Illumina Laboratory Services, Illumina); PubMed 23360207 (cited by Labcorp Genetics (formerly Invitae), Labcorp); PubMed 24982914 (cited by Labcorp Genetics (formerly Invitae), Labcorp); PubMed 25631192 (cited by Illumina Laboratory Services, Illumina); PubMed 27084066 (cited by Illumina Laboratory Services, Illumina).